The following is an entry in ClinVar:

NM_000170.3(GLDC):c.2755T>G (p.Phe919Val)

Gene: GLDC (glycine decarboxylase; minus strand). Cytogenetic location: 9p24.1.
Variant type: single nucleotide variant.
Coding change: c.2755T>G on transcript NM_000170.3 (MANE Select); coding-DNA position 2755, T replaced by G.
Protein change: p.Phe919Val; replaces phenylalanine 919 with valine.
Molecular consequence: missense variant.
Genome position (GRCh38, 1-based): chr9:6,536,147, A>C on the plus strand (T>G on the coding strand, the complement: GLDC is on the minus strand). VCF-style: chr9-6536147-A-C. GRCh37 (hg19) VCF-style: chr9-6536147-A-C.
Other names: short protein forms F919V.
Identifiers: ClinVar variation 1465518 (VCV001465518.8), dbSNP rs1817122724, ClinGen allele CA372882672.
Genomic context (GRCh38, chr9:6,536,147, plus strand): 5'-CGATGCGGCCCTCCTCAATGTCAGCAATTTCCTGCCGAATGCTGATCATGGCATCACAGA[A>C]TCTGTCCAGCTCTGCCTTGTCCTCCGACTCAGTGGGCTCCACCATGAGGGTCCCTGCCAC-3'
Protein context (NP_000161.2, residues 909-929): ESEDKAELDR[Phe919Val]CDAMISIRQE

ClinVar aggregate classification (germline): Likely pathogenic (1 of 4 stars; one submission).

Conditions:
Glycine encephalopathy. Also called: Non-ketotic hyperglycinemia; Nonketotic hyperglycinemia. Identifiers: Orphanet 407, MedGen C0751748, MONDO:0011612, HP:0008288.

Submission:

Labcorp Genetics (formerly Invitae), Labcorp
Classification: Likely pathogenic for Glycine encephalopathy. Last evaluated: 2021-06-20. Review status: criteria provided, single submitter. Criteria: Invitae Variant Classification Sherloc (09022015). Collection method: clinical testing. Allele origin: germline.
Comment: In summary, the currently available evidence indicates that the variant is pathogenic, but additional data are needed to prove that conclusively. Therefore, this variant has been classified as Likely Pathogenic. This variant disrupts the p.Phe919 amino acid residue in GLDC. Other variant(s) that disrupt this residue have been determined to be pathogenic (PMID: 27362913, 29239742). This suggests that this residue is clinically significant, and that variants that disrupt this residue are likely to be disease-causing. Advanced modeling of protein sequence and biophysical properties (such as structural, functional, and spatial information, amino acid conservation, physicochemical variation, residue mobility, and thermodynamic stability) performed at Invitae indicates that this missense variant is expected to disrupt GLDC protein function. This variant has not been reported in the literature in individuals with GLDC-related conditions. This variant is not present in population databases (ExAC no frequency). This sequence change replaces phenylalanine with valine at codon 919 of the GLDC protein (p.Phe919Val). The phenylalanine residue is highly conserved and there is a small physicochemical difference between phenylalanine and valine.

Literature cited by the submitters: PubMed 27362913; PubMed 29239742.